The following is an entry in ClinVar:

ClinVar aggregate classification (germline): Uncertain significance (1 of 4 stars; one submission).

Allele frequency attached by ClinVar (database versions not stated): ExAC 0.00001; gnomAD 0.00001; gnomAD exomes 0.00001.
gnomAD v4.1: 4 of 1,613,350 alleles (0.00025%); highest among the groups gnomAD compares: South Asian, 0.0022%; no homozygotes.

Submission:

Labcorp Genetics (formerly Invitae), Labcorp
Classification: Uncertain significance. Last evaluated: 2022-02-09. Review status: criteria provided, single submitter. Criteria: Invitae Variant Classification Sherloc (09022015). Collection method: clinical testing. Allele origin: germline.
Comment: This variant has not been reported in the literature in individuals affected with C17orf62-related conditions. Algorithms developed to predict the effect of missense changes on protein structure and function (SIFT, PolyPhen-2, Align-GVGD) all suggest that this variant is likely to be disruptive. This variant is present in population databases (rs750092088, gnomAD 0.003%). In summary, the available evidence is currently insufficient to determine the role of this variant in disease. Therefore, it has been classified as a Variant of Uncertain Significance. This sequence change replaces leucine, which is neutral and non-polar, with valine, which is neutral and non-polar, at codon 138 of the C17orf62 protein (p.Leu138Val).

NM_001033046.4(CYBC1):c.412C>G (p.Leu138Val)

Gene: CYBC1 (cytochrome b-245 chaperone 1; minus strand). Cytogenetic location: 17q25.3.
Variant type: single nucleotide variant.
Coding change: c.412C>G on transcript NM_001033046.4 (MANE Select); coding-DNA position 412, C replaced by G.
Protein change: p.Leu138Val; replaces leucine 138 with valine.
Molecular consequence: missense variant. On other transcripts: non-coding transcript variant (4).
Genome position (GRCh38, 1-based): chr17:82,444,478, G>C on the plus strand (C>G on the coding strand, the complement: CYBC1 is on the minus strand). VCF-style: chr17-82444478-G-C. GRCh37 (hg19) VCF-style: chr17-80402354-G-C.
Other names: c.412C>G, p.Leu138Val (NM_001100407.3, NM_001193653.2, NM_001193654.2 and 2 more transcripts); c.370C>G, p.Leu124Val (NM_001100408.3); short protein forms L124V, L138V.
Identifiers: ClinVar variation 1682703 (VCV001682703.6), dbSNP rs750092088, ClinGen allele CA8858214.